The following is an entry in ClinVar:

NM_022124.6(CDH23):c.1502A>G (p.Asp501Gly)

Gene: CDH23 (cadherin related 23; plus strand). Cytogenetic location: 10q22.1.
Variant type: single nucleotide variant.
Coding change: c.1502A>G on transcript NM_022124.6 (MANE Select); coding-DNA position 1502, A replaced by G.
Protein change: p.Asp501Gly; replaces aspartic acid 501 with glycine.
Molecular consequence: missense variant.
Genome position (GRCh38, 1-based): chr10:71,675,164, A>G. VCF-style: chr10-71675164-A-G. GRCh37 (hg19) VCF-style: chr10-73434921-A-G.
Other names: c.1502A>G, p.Asp501Gly (NM_001171930.2, NM_001171931.2); short protein forms D501G.
Identifiers: ClinVar variation 991908 (VCV000991908.3), dbSNP rs763437495, ClinGen allele CA5543855.
Genomic context (GRCh38, chr10:71,675,164, plus strand): 5'-TGTTGCAGGCAACTGACAATGATGCAGGCACCTTTGGGGAAGTCAGCTACTTCTTCAGTG[A>G]TGACCCTGACAGGTGAGACTCTGCCCACAGCCCCTCAGGCCCCTCCGCAGTGGTCCTTGG-3'
Protein context (NP_071407.4, residues 491-511): TFGEVSYFFS[Asp501Gly]DPDRFSLDKD

ClinVar aggregate classification (germline): Uncertain significance. Review status: criteria provided, single submitter (1 of 4 stars). 2 submissions from 2 submitters: Uncertain significance (1). 1 of the submissions does not count toward it. Last evaluated 2022-04-24.

Conditions:
Usher syndrome type 1 (USH1). Also called: RETINITIS PIGMENTOSA AND CONGENITAL DEAFNESS. Identifiers: Orphanet 231169, Orphanet 886, MedGen C1568247, MONDO:0010168, OMIM 276900.

Allele frequency attached by ClinVar (database versions not stated): gnomAD 0.00001; TOPMed 0.00001; gnomAD exomes 0.00001 and 0.00003; ExAC 0.00002.
gnomAD v4.1: 8 of 1,613,796 alleles (0.0005%); highest among the groups gnomAD compares: Admixed American, 0.013%; no homozygotes.

Submissions (2):

Labcorp Genetics (formerly Invitae), Labcorp
Classification: Uncertain significance. Last evaluated: 2022-04-24. Review status: criteria provided, single submitter. Criteria: Invitae Variant Classification Sherloc (09022015). Collection method: clinical testing. Allele origin: germline.
Comment: This sequence change replaces aspartic acid, which is acidic and polar, with glycine, which is neutral and non-polar, at codon 501 of the CDH23 protein (p.Asp501Gly). This variant is present in population databases (rs763437495, gnomAD 0.02%). This variant has not been reported in the literature in individuals affected with CDH23-related conditions. ClinVar contains an entry for this variant (Variation ID: 991908). Algorithms developed to predict the effect of missense changes on protein structure and function are either unavailable or do not agree on the potential impact of this missense change (SIFT: "Deleterious"; PolyPhen-2: "Not Available"; Align-GVGD: "Class C65"). Algorithms developed to predict the effect of sequence changes on RNA splicing suggest that this variant may create or strengthen a splice site. In summary, the available evidence is currently insufficient to determine the role of this variant in disease. Therefore, it has been classified as a Variant of Uncertain Significance.

Natera, Inc.
Classification: Uncertain significance for Usher syndrome type 1. Last evaluated: 2020-04-11. Review status: no assertion criteria provided. Collection method: clinical testing. Allele origin: germline. Not counted in ClinVar's aggregate classification.